The following is an entry in ClinVar:

ClinVar aggregate classification (germline): Uncertain significance (1 of 4 stars; one submission).

Conditions:
Epidermolysis bullosa simplex 5B, with muscular dystrophy (EBS5B). Also called: EPIDERMOLYSIS BULLOSA SIMPLEX AND LIMB-GIRDLE MUSCULAR DYSTROPHY; Epidermolysis bullosa simplex with muscular dystrophy. Identifiers: Orphanet 257, MedGen C2931072, MONDO:0009181, OMIM 226670.
Epidermolysis bullosa simplex 5C, with pyloric atresia (EBS5C). Also called: Epidermolysis bullosa simplex with pyloric atresia; PLEC-Related Epidermolysis Bullosa with Pyloric Atresia; PLEC1-Related Epidermolysis Bullosa with Pyloric Atresia. Identifiers: Orphanet 158684, MedGen C2677349, MONDO:0012807, OMIM 612138.
Autosomal recessive limb-girdle muscular dystrophy type 2Q (LGMDR17). Also called: MUSCULAR DYSTROPHY, LIMB-GIRDLE, AUTOSOMAL RECESSIVE 17. Identifiers: Orphanet 254361, MedGen C3150989, MONDO:0013390, OMIM 613723.
Epidermolysis bullosa simplex with nail dystrophy (EBS5D). Identifiers: MedGen C4225309, MONDO:0014661, OMIM 616487.
Epidermolysis bullosa simplex, Ogna type (EBS5A). Also called: Pidermolysis bullosa simplex 5A, Ogna type; EPIDERMOLYSIS BULLOSA SIMPLEX 5A, OGNA TYPE. Identifiers: Orphanet 79401, MedGen C0432317, MONDO:0007555, OMIM 131950.

Allele frequency attached by ClinVar (database versions not stated): TOPMed below 0.00001.

Submission:

Labcorp Genetics (formerly Invitae), Labcorp
Classification: Uncertain significance for Autosomal recessive limb-girdle muscular dystrophy type 2Q; Epidermolysis bullosa simplex, Ogna type; Epidermolysis bullosa simplex with nail dystrophy; Epidermolysis bullosa simplex 5C, with pyloric atresia; Epidermolysis bullosa simplex 5B, with muscular dystrophy. Last evaluated: 2023-11-19. Review status: criteria provided, single submitter. Criteria: Invitae Variant Classification Sherloc (09022015). Collection method: clinical testing. Allele origin: germline.
Comment: This sequence change replaces alanine, which is neutral and non-polar, with valine, which is neutral and non-polar, at codon 1992 of the PLEC protein (p.Ala1992Val). The frequency data for this variant in the population databases is considered unreliable, as metrics indicate poor data quality at this position in the gnomAD database. This variant has not been reported in the literature in individuals affected with PLEC-related conditions. ClinVar contains an entry for this variant (Variation ID: 1040927). Algorithms developed to predict the effect of missense changes on protein structure and function output the following: SIFT: "Not Available"; PolyPhen-2: "Not Available"; Align-GVGD: "Not Available". The valine amino acid residue is found in multiple mammalian species, which suggests that this missense change does not adversely affect protein function. In summary, the available evidence is currently insufficient to determine the role of this variant in disease. Therefore, it has been classified as a Variant of Uncertain Significance.

NM_201384.3(PLEC):c.5894C>T (p.Ala1965Val)

Gene: PLEC (plectin; minus strand). Cytogenetic location: 8q24.3.
Variant type: single nucleotide variant.
Coding change: c.5894C>T on transcript NM_201384.3 (MANE Select); coding-DNA position 5894, C replaced by T.
Protein change: p.Ala1965Val; replaces alanine 1965 with valine.
Molecular consequence: missense variant.
Genome position (GRCh38, 1-based): chr8:143,924,035, G>A on the plus strand (C>T on the coding strand, the complement: PLEC is on the minus strand). VCF-style: chr8-143924035-G-A. GRCh37 (hg19) VCF-style: chr8-144998203-G-A.
Other names: c.5975C>T, p.Ala1992Val (NM_000445.5); c.5852C>T, p.Ala1951Val (NM_201378.4); c.5828C>T, p.Ala1943Val (NM_201379.3); c.6305C>T, p.Ala2102Val (NM_201380.4); c.5798C>T, p.Ala1933Val (NM_201381.3); c.5894C>T, p.Ala1965Val (NM_201382.4); c.5906C>T, p.Ala1969Val (NM_201383.3); short protein forms A1969V, A1965V, A1992V, A1933V, A1943V, A1951V, A2102V.
Identifiers: ClinVar variation 1040927 (VCV001040927.5), dbSNP rs1554695397, ClinGen allele CA372540960.
Genomic context (GRCh38, chr8:143,924,035, plus strand): 5'-TCACGGCGCCGCCGCTCCTCCTCCGCCGCCAGCTGCCGCTGCCTCGCAGCCTCCAGCTCG[G>A]CCTGCTCCTTGCTGCGCAGCGTGTCCTCCGCGTTGCTGCGGATGCGTCCCAGCTCCAGCT-3'
Protein context (NP_958786.1, residues 1955-1975): AEDTLRSKEQ[Ala1965Val]ELEAARQRQL